The following is an entry in ClinVar:

ClinVar aggregate classification (germline): Uncertain significance (1 of 4 stars; one submission).

Submission:

Labcorp Genetics (formerly Invitae), Labcorp
Classification: Uncertain significance. Last evaluated: 2024-01-25. Review status: criteria provided, single submitter. Criteria: Invitae Variant Classification Sherloc (09022015). Collection method: clinical testing. Allele origin: germline.
Comment: This sequence change replaces arginine, which is basic and polar, with proline, which is neutral and non-polar, at codon 3545 of the USH2A protein (p.Arg3545Pro). This variant is not present in population databases (gnomAD no frequency). This variant has not been reported in the literature in individuals affected with USH2A-related conditions. Advanced modeling of protein sequence and biophysical properties (such as structural, functional, and spatial information, amino acid conservation, physicochemical variation, residue mobility, and thermodynamic stability) performed at Invitae indicates that this missense variant is not expected to disrupt USH2A protein function with a negative predictive value of 95%. In summary, the available evidence is currently insufficient to determine the role of this variant in disease. Therefore, it has been classified as a Variant of Uncertain Significance.

NM_206933.4(USH2A):c.10634G>C (p.Arg3545Pro)

Gene: USH2A (usherin; minus strand). Cytogenetic location: 1q41.
Variant type: single nucleotide variant.
Coding change: c.10634G>C on transcript NM_206933.4 (MANE Select); coding-DNA position 10634, G replaced by C.
Protein change: p.Arg3545Pro; replaces arginine 3545 with proline.
Molecular consequence: missense variant.
Genome position (GRCh38, 1-based): chr1:215,782,148, C>G on the plus strand (G>C on the coding strand, the complement: USH2A is on the minus strand). VCF-style: chr1-215782148-C-G. GRCh37 (hg19) VCF-style: chr1-215955490-C-G.
Other names: short protein forms R3545P.
Identifiers: ClinVar variation 2831151 (VCV002831151.1), dbSNP rs375978706, ClinGen allele CA344836848.
Genomic context (GRCh38, chr1:215,782,148, plus strand): 5'-TATGAATATTCCTGAAATGGTTGAATTCCCTCTTTATCAGAGAAGCTCAGTGATGTTCCC[C>G]GAAAACGTTCAATTCCATTTCGAAGAAGGATGTAGTAAATAATAGGACCTAAAAGAAGCA-3'
Protein context (NP_996816.3, residues 3535-3555): ILLRNGIERF[Arg3545Pro]GTSLSFSDKE